The following is an entry in ClinVar:

NM_000020.3(ACVRL1):c.1129G>A (p.Ala377Thr)

Gene: ACVRL1 (activin A receptor like type 1; plus strand). Cytogenetic location: 12q13.13.
Variant type: single nucleotide variant.
Coding change: c.1129G>A on transcript NM_000020.3 (MANE Select); coding-DNA position 1129, G replaced by A.
Protein change: p.Ala377Thr; replaces alanine 377 with threonine.
Molecular consequence: missense variant.
Genome position (GRCh38, 1-based): chr12:51,916,116, G>A. VCF-style: chr12-51916116-G-A. GRCh37 (hg19) VCF-style: chr12-52309900-G-A.
Other names: c.1129G>A, p.Ala377Thr (NM_001077401.2); short protein forms A377T.
Identifiers: ClinVar variation 575214 (VCV000575214.9), dbSNP rs1565594969, ClinGen allele CA384902467.

ClinVar aggregate classification (germline): Pathogenic. Review status: criteria provided, multiple submitters, no conflicts (2 of 4 stars). 2 submissions from 2 submitters: Pathogenic (2). Last evaluated 2023-09-21.

Conditions:
Telangiectasia, hereditary hemorrhagic, type 2 (HHT2). Also called: ACVRL1-Related Hereditary Hemorrhagic Telangiectasia; Telangiectasia, hereditary hemorrhagic, type II. Identifiers: Orphanet 774, MedGen C1838163, MONDO:0010880, OMIM 600376. Disease mechanism: loss of function.
ACVRL1-related disorder. Also called: ACVRL1-related condition; ACVRL1-related disorders.

Submissions (2):

Blueprint Genetics
Classification: Pathogenic for ACVRL1-related disorders. Last evaluated: 2023-09-21. Review status: criteria provided, single submitter. Criteria: ACMG Guidelines, 2015. Collection method: clinical testing. Allele origin: germline. Affected: yes. Observed: 1 variant allele.

Labcorp Genetics (formerly Invitae), Labcorp
Classification: Pathogenic for Telangiectasia, hereditary hemorrhagic, type 2. Last evaluated: 2022-02-22. Review status: criteria provided, single submitter. Criteria: Invitae Variant Classification Sherloc (09022015). Collection method: clinical testing. Allele origin: germline.
Comment: This sequence change replaces alanine, which is neutral and non-polar, with threonine, which is neutral and polar, at codon 377 of the ACVRL1 protein (p.Ala377Thr). This variant is not present in population databases (gnomAD no frequency). This missense change has been observed in individuals with hereditary hemorrhagic telangiectasia (PMID: 16470589; Invitae). It has also been observed to segregate with disease in related individuals. ClinVar contains an entry for this variant (Variation ID: 575214). Advanced modeling of protein sequence and biophysical properties (such as structural, functional, and spatial information, amino acid conservation, physicochemical variation, residue mobility, and thermodynamic stability) performed at Invitae indicates that this missense variant is expected to disrupt ACVRL1 protein function. Experimental studies have shown that this missense change affects ACVRL1 function (PMID: 16470589). This variant disrupts the p.Arg377 amino acid residue in ACVRL1. Other variant(s) that disrupt this residue have been observed in individuals with ACVRL1-related conditions (PMID: 23805858), which suggests that this may be a clinically significant amino acid residue. For these reasons, this variant has been classified as Pathogenic.

Literature cited by the submitters: PubMed 16470589 (cited by Labcorp Genetics (formerly Invitae), Labcorp); PubMed 23805858 (cited by Labcorp Genetics (formerly Invitae), Labcorp).